The following is an entry in ClinVar:

ClinVar aggregate classification (germline): Benign. Review status: criteria provided, multiple submitters, no conflicts (2 of 4 stars). 4 submissions from 4 submitters: Benign (3). 1 of the submissions does not count toward it. Last evaluated 2019-12-31.

Conditions:
Platelet-type bleeding disorder 9 (BDPLT9). Also called: GLYCOPROTEIN Ia DEFICIENCY; GP Ia DEFICIENCY; COLLAGEN PLATELET RECEPTOR DEFICIENCY. Identifiers: Orphanet 73271, Orphanet 98886, MedGen C3280114, MONDO:0013622, OMIM 614200.
ITGA2-related disorder. Also called: ITGA2-related condition.

Allele frequency attached by ClinVar (database versions not stated): gnomAD exomes 0.00124 and 0.00301; ExAC 0.00331; 1000 Genomes Project 0.00859; 1000 Genomes Project 30x 0.00859; gnomAD 0.00938 and 0.01020; ESP Exome Variant Server 0.00969; TOPMed 0.01037.
gnomAD v4.1: 3,338 of 1,611,646 alleles (0.21%); highest among the groups gnomAD compares: African/African-American, 3.1%; 36 homozygotes.

Submissions (4):

Labcorp Genetics (formerly Invitae), Labcorp
Classification: Benign. Last evaluated: 2019-12-31. Review status: criteria provided, single submitter. Criteria: Invitae Variant Classification Sherloc (09022015). Collection method: clinical testing. Allele origin: germline.

Illumina Laboratory Services, Illumina
Classification: Benign for Platelet-type bleeding disorder 9. Last evaluated: 2018-01-12. Review status: criteria provided, single submitter. Criteria: ICSL Variant Classification Criteria 13 December 2019. Collection method: clinical testing. Allele origin: germline.
Comment: This variant was observed in the ICSL laboratory as part of a predisposition screen in an ostensibly healthy population. It had not been previously curated by ICSL or reported in the Human Gene Mutation Database (HGMD: prior to June 1st, 2018), and was therefore a candidate for classification through an automated scoring system. Utilizing variant allele frequency, disease prevalence and penetrance estimates, and inheritance mode, an automated score was calculated to assess if this variant is too frequent to cause the disease. Based on the score and internal cut-off values, a variant classified as benign is not then subjected to further curation. The score for this variant resulted in a classification of benign for this disease.

Breakthrough Genomics
Classification: Benign. Review status: criteria provided, single submitter. Criteria: ACMG Guidelines, 2015. Collection method: not provided. Allele origin: germline. Inheritance: Unknown mechanism. Affected: yes.

PreventionGenetics, part of Exact Sciences
Classification: Benign for ITGA2-related condition. Last evaluated: 2019-07-01. Review status: no assertion criteria provided. Collection method: clinical testing. Allele origin: germline. Not counted in ClinVar's aggregate classification.
Comment: This variant is classified as benign based on ACMG/AMP sequence variant interpretation guidelines (Richards et al. 2015 PMID: 25741868, with internal and published modifications).

NM_002203.4(ITGA2):c.2718G>A (p.Ala906=)

Gene: ITGA2 (integrin subunit alpha 2; plus strand). Cytogenetic location: 5q11.2.
Variant type: single nucleotide variant.
Coding change: c.2718G>A on transcript NM_002203.4 (MANE Select); coding-DNA position 2718, G replaced by A.
Protein change: p.Ala906=; no amino-acid change (alanine 906 retained).
Molecular consequence: synonymous variant. On other transcripts: non-coding transcript variant (5).
Genome position (GRCh38, 1-based): chr5:53,075,114, G>A. VCF-style: chr5-53075114-G-A. GRCh37 (hg19) VCF-style: chr5-52370944-G-A.
Identifiers: ClinVar variation 353773 (VCV000353773.12), dbSNP rs3212594, ClinGen allele CA3263285.